The following is an entry in ClinVar:

ClinVar aggregate classification (germline): Uncertain significance. Review status: criteria provided, multiple submitters, no conflicts (2 of 4 stars). 3 submissions from 3 submitters: Uncertain significance (3). Last evaluated 2025-03-29.

Conditions:
Fraser syndrome 1 (FRASRS1). Also called: CRYPTOPHTHALMOS WITH OTHER MALFORMATIONS. Identifiers: Orphanet 2052, MedGen C4551480, MONDO:0054737, OMIM 219000.

Allele frequency attached by ClinVar (database versions not stated): TOPMed below 0.00001; gnomAD 0.00001.
gnomAD v4.1: 8 of 1,613,762 alleles (0.0005%); highest among the groups gnomAD compares: East Asian, 0.0067%; no homozygotes.

Submissions (3):

Labcorp Genetics (formerly Invitae), Labcorp
Classification: Uncertain significance. Last evaluated: 2025-03-29. Review status: criteria provided, single submitter. Criteria: Invitae Variant Classification Sherloc (09022015). Collection method: clinical testing. Allele origin: germline.
Comment: This sequence change replaces arginine, which is basic and polar, with glutamine, which is neutral and polar, at codon 2362 of the FRAS1 protein (p.Arg2362Gln). This variant is not present in population databases (gnomAD no frequency). This variant has not been reported in the literature in individuals affected with FRAS1-related conditions. ClinVar contains an entry for this variant (Variation ID: 907423). An algorithm developed to predict the effect of missense changes on protein structure and function outputs the following: PolyPhen-2: "Benign". The glutamine amino acid residue is found in multiple mammalian species, which suggests that this missense change does not adversely affect protein function. In summary, the available evidence is currently insufficient to determine the role of this variant in disease. Therefore, it has been classified as a Variant of Uncertain Significance.

Fulgent Genetics
Classification: Uncertain significance for Fraser syndrome 1. Last evaluated: 2022-04-16. Review status: criteria provided, single submitter. Criteria: ACMG Guidelines, 2015. Collection method: clinical testing. Allele origin: unknown.

Illumina Laboratory Services, Illumina
Classification: Uncertain significance for Fraser syndrome 1. Last evaluated: 2018-01-12. Review status: criteria provided, single submitter. Criteria: ICSL Variant Classification Criteria 13 December 2019. Collection method: clinical testing. Allele origin: germline.

NM_025074.7(FRAS1):c.7085G>A (p.Arg2362Gln)

Gene: FRAS1 (Fraser extracellular matrix complex subunit 1; plus strand). Cytogenetic location: 4q21.21.
Variant type: single nucleotide variant.
Coding change: c.7085G>A on transcript NM_025074.7 (MANE Select); coding-DNA position 7085, G replaced by A.
Protein change: p.Arg2362Gln; replaces arginine 2362 with glutamine.
Molecular consequence: missense variant.
Genome position (GRCh38, 1-based): chr4:78,466,263, G>A. VCF-style: chr4-78466263-G-A. GRCh37 (hg19) VCF-style: chr4-79387417-G-A.
Other names: short protein forms R2362Q.
Identifiers: ClinVar variation 907423 (VCV000907423.6), dbSNP rs865839705, ClinGen allele CA99984850.